The following is an entry in ClinVar:

NM_004329.3(BMPR1A):c.797C>T (p.Thr266Ile)

Gene: BMPR1A (bone morphogenetic protein receptor type 1A; plus strand). Cytogenetic location: 10q23.2.
Variant type: single nucleotide variant.
Coding change: c.797C>T on transcript NM_004329.3 (MANE Select); coding-DNA position 797, C replaced by T.
Protein change: p.Thr266Ile; replaces threonine 266 with isoleucine.
Molecular consequence: missense variant.
Genome position (GRCh38, 1-based): chr10:86,917,255, C>T. VCF-style: chr10-86917255-C-T. GRCh37 (hg19) VCF-style: chr10-88677012-C-T.
Other names: short protein forms T266I.
Identifiers: ClinVar variation 849737 (VCV000849737.10), dbSNP rs1554890797, ClinGen allele CA377458217.

ClinVar aggregate classification (germline): Uncertain significance (1 of 4 stars; one submission).

Conditions:
Juvenile polyposis syndrome (JPS). Identifiers: Orphanet 2929, MedGen C0345893, MONDO:0017380, OMIM 174900.

Submission:

Labcorp Genetics (formerly Invitae), Labcorp
Classification: Uncertain significance for Juvenile polyposis syndrome. Last evaluated: 2019-11-26. Review status: criteria provided, single submitter. Criteria: Invitae Variant Classification Sherloc (09022015). Collection method: clinical testing. Allele origin: germline.
Comment: In summary, the available evidence is currently insufficient to determine the role of this variant in disease. Therefore, it has been classified as a Variant of Uncertain Significance. Algorithms developed to predict the effect of missense changes on protein structure and function are either unavailable or do not agree on the potential impact of this missense change (SIFT: "Tolerated"; PolyPhen-2: "Possibly Damaging"; Align-GVGD: "Class C0"). This variant has not been reported in the literature in individuals with BMPR1A-related conditions. This variant is not present in population databases (ExAC no frequency). This sequence change replaces threonine with isoleucine at codon 266 of the BMPR1A protein (p.Thr266Ile). The threonine residue is moderately conserved and there is a moderate physicochemical difference between threonine and isoleucine.